The following is an entry in ClinVar:

ClinVar aggregate classification (germline): Uncertain significance (1 of 4 stars; one submission).

Conditions:
CACNB4-related disorder. Also called: CACNB4-Related Disorders; CACNB4-related condition.

Allele frequency attached by ClinVar (database versions not stated): gnomAD exomes below 0.00001; TOPMed below 0.00001.
gnomAD v4.1: 1 of 1,613,478 alleles (0.000062%); highest among the groups gnomAD compares: African/African-American, 0.0013%; no homozygotes.

Submission:

PreventionGenetics, part of Exact Sciences
Classification: Uncertain significance for CACNB4-related condition. Last evaluated: 2022-10-20. Review status: criteria provided, single submitter. Criteria: ACMG Guidelines, 2015. Collection method: clinical testing. Allele origin: germline.
Comment: The CACNB4 c.1440T>G variant is predicted to result in the amino acid substitution p.His480Gln. To our knowledge, this variant has not been reported in the literature or in a large population database, indicating this variant is rare. At this time, the clinical significance of this variant is uncertain due to the absence of conclusive functional and genetic evidence.

NM_000726.5(CACNB4):c.1440T>G (p.His480Gln)

Gene: CACNB4 (calcium voltage-gated channel auxiliary subunit beta 4; minus strand). Cytogenetic location: 2q23.3.
Variant type: single nucleotide variant.
Coding change: c.1440T>G on transcript NM_000726.5 (MANE Select); coding-DNA position 1440, T replaced by G.
Protein change: p.His480Gln; replaces histidine 480 with glutamine.
Molecular consequence: missense variant.
Genome position (GRCh38, 1-based): chr2:151,839,242, A>C on the plus strand (T>G on the coding strand, the complement: CACNB4 is on the minus strand). VCF-style: chr2-151839242-A-C. GRCh37 (hg19) VCF-style: chr2-152695756-A-C.
Other names: c.1386T>G, p.His462Gln (NM_001005746.4); c.1338T>G, p.His446Gln (NM_001005747.4); c.1254T>G, p.His418Gln (NM_001145798.3); c.1299T>G, p.His433Gln (NM_001320722.3, NM_001330118.2); c.1197T>G, p.His399Gln (NM_001330113.2); c.786T>G, p.His262Gln (NM_001330114.2); c.1149T>G, p.His383Gln (NM_001330115.2); c.1110T>G, p.His370Gln (NM_001330116.2); and 1 more; short protein forms H262Q, H294Q, H370Q, H383Q, H399Q, H418Q, H433Q, H446Q.
Identifiers: ClinVar variation 2637411 (VCV002637411.1), dbSNP rs765688685, ClinGen allele CA348811202.
Genomic context (GRCh38, chr2:151,839,242, plus strand): 5'-GTAAGTGTCCTGGTATGAGTCAGGGTAATCTTCTTCCACAAGAGGGTAATGATCTCGGCT[A>C]TGCTGAGAACTGGAAGACAAGCGGTTCCTACTCTTCCGAGCCCTTTCATTGTGATAATTT-3'
Protein context (NP_000717.2, residues 470-490): SRNRLSSSSQ[His480Gln]SRDHYPLVEE